The following is an entry in ClinVar:

ClinVar aggregate classification (germline): Uncertain significance (1 of 4 stars; one submission).

Conditions:
MEGF8-related Carpenter syndrome. Also called: Carpenter syndrome 2. Identifiers: Orphanet 65759, MedGen C3554247, MONDO:0013998, OMIM 614976.

Allele frequency attached by ClinVar (database versions not stated): ExAC below 0.00001; TOPMed below 0.00001; gnomAD 0.00001.
gnomAD v4.1: 2 of 1,517,594 alleles (0.00013%); highest among the groups gnomAD compares: Non-Finnish European, 0.00018%; no homozygotes.

Submission:

Labcorp Genetics (formerly Invitae), Labcorp
Classification: Uncertain significance for MEGF8-related Carpenter syndrome. Last evaluated: 2022-05-03. Review status: criteria provided, single submitter. Criteria: Invitae Variant Classification Sherloc (09022015). Collection method: clinical testing. Allele origin: germline.
Comment: This sequence change replaces glycine, which is neutral and non-polar, with serine, which is neutral and polar, at codon 2750 of the MEGF8 protein (p.Gly2750Ser). In summary, the available evidence is currently insufficient to determine the role of this variant in disease. Therefore, it has been classified as a Variant of Uncertain Significance. Algorithms developed to predict the effect of missense changes on protein structure and function output the following: SIFT: "Tolerated"; PolyPhen-2: "Benign"; Align-GVGD: "Class C0". The serine amino acid residue is found in multiple mammalian species, which suggests that this missense change does not adversely affect protein function. ClinVar contains an entry for this variant (Variation ID: 959227). This variant has not been reported in the literature in individuals affected with MEGF8-related conditions. This variant is not present in population databases (gnomAD no frequency).

NM_001271938.2(MEGF8):c.8449G>A (p.Gly2817Ser)

Gene: MEGF8 (multiple EGF like domains 8; plus strand). Cytogenetic location: 19q13.2.
Variant type: single nucleotide variant.
Coding change: c.8449G>A on transcript NM_001271938.2 (MANE Select); coding-DNA position 8449, G replaced by A.
Protein change: p.Gly2817Ser; replaces glycine 2817 with serine.
Molecular consequence: missense variant.
Genome position (GRCh38, 1-based): chr19:42,376,686, G>A. VCF-style: chr19-42376686-G-A. GRCh37 (hg19) VCF-style: chr19-42880838-G-A.
Other names: c.8248G>A, p.Gly2750Ser (NM_001410.3); short protein forms G2750S, G2817S.
Identifiers: ClinVar variation 959227 (VCV000959227.6), dbSNP rs779537526, ClinGen allele CA9476379.
Genomic context (GRCh38, chr19:42,376,686, plus strand): 5'-GCCTGCCTGGGGTCAGCCCTCGTCACACTGCGGCACAGGCTGCACGAGTACTGTGGGGGT[G>A]GTGGGGGTGCTGGGGGCAGTGGGCATGGGACTGGTGCGGGCCGGAAGGGACTGTTGAGCC-3'
Protein context (NP_001258867.1, residues 2807-2827): RHRLHEYCGG[Gly2817Ser]GGAGGSGHGT